The following is an entry in ClinVar:

ClinVar aggregate classification (germline): Likely benign. Review status: criteria provided, multiple submitters, no conflicts (2 of 4 stars). 5 submissions from 5 submitters: Likely benign (5). Last evaluated 2026-05-05.

Conditions:
Cardiovascular phenotype. Identifiers: MedGen CN230736.
TTN-related disorder. Also called: TTN-related condition; TTN-related disease; TTN-related disorders.
Dilated cardiomyopathy 1G (CMD1G). Identifiers: Orphanet 154, MedGen C1858763, MONDO:0011400, OMIM 604145.
Autosomal recessive limb-girdle muscular dystrophy type 2J (LGMDR10). Also called: Limb-girdle muscular dystrophy, type 2J; MUSCULAR DYSTROPHY, LIMB-GIRDLE, AUTOSOMAL RECESSIVE 10. Identifiers: Orphanet 140922, MedGen C1837342, MONDO:0012127, OMIM 608807.

Allele frequency attached by ClinVar (database versions not stated): gnomAD exomes 0.00001 and 0.00002; ExAC 0.00002; gnomAD 0.00003; TOPMed 0.00010.
gnomAD v4.1: 25 of 1,613,092 alleles (0.0015%); highest among the groups gnomAD compares: African/African-American, 0.031%; no homozygotes.

Submissions (5):

PreventionGenetics, part of Exact Sciences
Classification: Likely benign for TTN-related condition. Last evaluated: 2026-05-05. Review status: criteria provided, single submitter. Criteria: ACMG Guidelines, 2015. Collection method: clinical testing. Allele origin: germline.
Comment: This variant is classified as likely benign based on ACMG/AMP sequence variant interpretation guidelines (Richards et al. 2015 PMID: 25741868, with internal and published modifications).

Labcorp Genetics (formerly Invitae), Labcorp
Classification: Likely benign for Dilated cardiomyopathy 1G; Autosomal recessive limb-girdle muscular dystrophy type 2J. Last evaluated: 2025-09-12. Review status: criteria provided, single submitter. Criteria: Invitae Variant Classification Sherloc (09022015). Collection method: clinical testing. Allele origin: germline.

CeGaT Center for Human Genetics Tuebingen
Classification: Likely benign. Last evaluated: 2024-05-01. Review status: criteria provided, single submitter. Criteria: CeGaT Center For Human Genetics Tuebingen Variant Classification Criteria Version 2. Collection method: clinical testing. Allele origin: germline. Affected: yes. Observed: 1 variant allele.
Comment: TTN: BP4, BP7

Ambry Genetics
Classification: Likely benign for Cardiovascular phenotype. Last evaluated: 2016-11-03. Review status: criteria provided, single submitter. Criteria: Ambry Variant Classification Scheme 2023. Collection method: clinical testing. Allele origin: germline.

Laboratory for Molecular Medicine, Mass General Brigham Personalized Medicine
Classification: Likely benign. Last evaluated: 2011-11-14. Review status: criteria provided, single submitter. Criteria: LMM Criteria. Collection method: clinical testing. Allele origin: germline. Observed: 1 variant allele.
Comment: Ser22136Ser in exon 275 of TTN: This variant does not change an amino acid and d oes not affect the splice consensus sequence. This makes a disease causing role very unlikely. Ser22136Ser in exon 275 of TTN (allele frequency = n/a)

NM_001267550.2(TTN):c.74112T>C (p.Ser24704=)

Genes: TTN (titin; minus strand), TTN-AS1 (TTN antisense RNA 1; plus strand). Cytogenetic location: 2q31.2.
Variant type: single nucleotide variant.
Coding change: c.74112T>C on transcript NM_001267550.2 (MANE Select); coding-DNA position 74112, T replaced by C.
Protein change: p.Ser24704=; no amino-acid change (serine 24704 retained).
Molecular consequence: synonymous variant.
Genome position (GRCh38, 1-based): chr2:178,572,020, A>G on the plus strand (T>C on the coding strand, the complement: TTN is on the minus strand). VCF-style: chr2-178572020-A-G. GRCh37 (hg19) VCF-style: chr2-179436747-A-G.
Other names: c.46917T>C, p.Ser15639= (NM_003319.4); c.66408T>C, p.Ser22136= (NM_133378.4); c.69189T>C, p.Ser23063= (NM_001256850.1); c.47292T>C, p.Ser15764= (NM_133432.3); c.47493T>C, p.Ser15831= (NM_133437.4).
Identifiers: ClinVar variation 47325 (VCV000047325.38), dbSNP rs397517697, ClinGen allele CA140688.